The following is an entry in ClinVar:

NM_001035.3(RYR2):c.11557+14C>T

Gene: RYR2 (ryanodine receptor 2; plus strand). Cytogenetic location: 1q43.
Variant type: single nucleotide variant.
Coding change: c.11557+14C>T on transcript NM_001035.3 (MANE Select); 14 bases into the intron after coding-DNA position 11557, C replaced by T.
Molecular consequence: intron variant.
Genome position (GRCh38, 1-based): chr1:237,770,901, C>T. VCF-style: chr1-237770901-C-T. GRCh37 (hg19) VCF-style: chr1-237934201-C-T.
Other names: c.11557+14C>T (LRG_402t1).
Identifiers: ClinVar variation 296753 (VCV000296753.17), dbSNP rs374155447, ClinGen allele CA065703.
Genomic context (GRCh38, chr1:237,770,901, plus strand): 5'-TGACCTCTTCCGATTCCTGCAACTACTCTGTGAGGGACACAACTCAGGTTTGTGAGTCCC[C>T]GGAACTTCTGATGATACTAAGGCATAAATAATGTTTTCAAGCCAGTAATAACAAGAGCCT-3'

ClinVar aggregate classification (germline): Conflicting classifications of pathogenicity. Review status: criteria provided, conflicting classifications (1 of 4 stars). 7 submissions from 6 submitters: Uncertain significance (1); Benign (3); Likely benign (3). Last evaluated 2026-02-02.

Conditions:
Catecholaminergic polymorphic ventricular tachycardia 1. Also called: VENTRICULAR TACHYCARDIA, CATECHOLAMINERGIC POLYMORPHIC, 1, WITH OR WITHOUT ATRIAL DYSFUNCTION AND/OR DILATED CARDIOMYOPATHY; RYR2-Related Catecholaminergic Polymorphic Ventricular Tachycardia; VENTRICULAR TACHYCARDIA, STRESS-INDUCED POLYMORPHIC 1. Identifiers: Orphanet 3286, MedGen C1631597, MONDO:0011484, OMIM 604772.
Arrhythmogenic right ventricular dysplasia 2. Identifiers: MedGen C1832931.

Allele frequency attached by ClinVar (database versions not stated): gnomAD exomes 0.00006 and 0.00025; 1000 Genomes Project 30x 0.00016; 1000 Genomes Project 0.00020; ExAC 0.00029; ESP Exome Variant Server 0.00043; TOPMed 0.00065; gnomAD 0.00066.
gnomAD v4.1: 178 of 1,507,248 alleles (0.012%); highest among the groups gnomAD compares: African/African-American, 0.17%; no homozygotes.

Submissions (7):

Labcorp Genetics (formerly Invitae), Labcorp
Classification: Benign for Catecholaminergic polymorphic ventricular tachycardia 1. Last evaluated: 2026-02-02. Review status: criteria provided, single submitter. Criteria: Invitae Variant Classification Sherloc (09022015). Collection method: clinical testing. Allele origin: germline.

ARUP Laboratories, Molecular Genetics and Genomics, ARUP Laboratories
Classification: Benign. Last evaluated: 2024-07-30. Review status: criteria provided, single submitter. Criteria: ARUP Molecular Germline Variant Investigation Process 2024. Collection method: clinical testing. Allele origin: germline.

Blueprint Genetics
Classification: Likely benign. Last evaluated: 2023-11-08. Review status: criteria provided, single submitter. Criteria: ACMG Guidelines, 2015. Collection method: clinical testing. Allele origin: germline.

Women's Health and Genetics/Laboratory Corporation of America, LabCorp
Classification: Benign. Last evaluated: 2022-11-28. Review status: criteria provided, single submitter. Criteria: LabCorp Variant Classification Summary - May 2015. Collection method: clinical testing. Allele origin: germline.

Illumina Laboratory Services, Illumina
Classification: Likely benign for Catecholaminergic polymorphic ventricular tachycardia 1. Last evaluated: 2018-01-13. Review status: criteria provided, single submitter. Criteria: ICSL Variant Classification Criteria 13 December 2019. Collection method: clinical testing. Allele origin: germline.
Comment: This variant was observed in the ICSL laboratory as part of a predisposition screen in an ostensibly healthy population. It had not been previously curated by ICSL or reported in the Human Gene Mutation Database (HGMD: prior to June 1st, 2018), and was therefore a candidate for classification through an automated scoring system. Utilizing variant allele frequency, disease prevalence and penetrance estimates, and inheritance mode, an automated score was calculated to assess if this variant is too frequent to cause the disease. Based on the score and internal cut-off values, a variant classified as likely benign is not then subjected to further curation. The score for this variant resulted in a classification of likely benign for this disease.

Illumina Laboratory Services, Illumina
Classification: Uncertain significance for Catecholaminergic polymorphic ventricular tachycardia 1. Last evaluated: 2018-01-13. Review status: criteria provided, single submitter. Criteria: ICSL Variant Classification Criteria 13 December 2019. Collection method: clinical testing. Allele origin: germline.

GeneDx
Classification: Likely benign. Last evaluated: 2017-05-22. Review status: criteria provided, single submitter. Criteria: GeneDx Variant Classification (06012015). Collection method: clinical testing. Allele origin: germline. Affected: yes.
Comment: This variant is considered likely benign or benign based on one or more of the following criteria: it is a conservative change, it occurs at a poorly conserved position in the protein, it is predicted to be benign by multiple in silico algorithms, and/or has population frequency not consistent with disease.